The following is an entry in ClinVar:

ClinVar aggregate classification (germline): Uncertain significance (1 of 4 stars; one submission).

Allele frequency attached by ClinVar (database versions not stated): TOPMed below 0.00001; gnomAD exomes 0.00002.
gnomAD v4.1: 23 of 1,569,624 alleles (0.0015%); highest among the groups gnomAD compares: Admixed American, 0.0019%; no homozygotes.

Submissions (2):

Labcorp Genetics (formerly Invitae), Labcorp
Classification: Uncertain significance. Last evaluated: 2024-01-02. Review status: criteria provided, single submitter. Criteria: Invitae Variant Classification Sherloc (09022015). Collection method: clinical testing. Allele origin: germline.
Comment: This sequence change replaces alanine, which is neutral and non-polar, with valine, which is neutral and non-polar, at codon 234 of the TCF3 protein (p.Ala234Val). The frequency data for this variant in the population databases is considered unreliable, as metrics indicate poor data quality at this position in the gnomAD database. This variant has not been reported in the literature in individuals affected with TCF3-related conditions. Advanced modeling of protein sequence and biophysical properties (such as structural, functional, and spatial information, amino acid conservation, physicochemical variation, residue mobility, and thermodynamic stability) performed at Invitae indicates that this missense variant is not expected to disrupt TCF3 protein function with a negative predictive value of 80%. Algorithms developed to predict the effect of sequence changes on RNA splicing suggest that this variant may create or strengthen a splice site. In summary, the available evidence is currently insufficient to determine the role of this variant in disease. Therefore, it has been classified as a Variant of Uncertain Significance.

Dr. Peter K. Rogan Lab, Western University
No classification provided (evidence only). Condition: Familial cancer of breast. Review status: no classification provided. Collection method: in vitro. Allele origin: not applicable. Functional consequence: skipped exon. Not counted in ClinVar's aggregate classification.

NM_003200.5(TCF3):c.701C>T (p.Ala234Val)

Gene: TCF3 (transcription factor 3; minus strand). Cytogenetic location: 19p13.3.
Variant type: single nucleotide variant.
Coding change: c.701C>T on transcript NM_003200.5 (MANE Select); coding-DNA position 701, C replaced by T.
Protein change: p.Ala234Val; replaces alanine 234 with valine.
Molecular consequence: missense variant.
Genome position (GRCh38, 1-based): chr19:1,622,175, G>A on the plus strand (C>T on the coding strand, the complement: TCF3 is on the minus strand). VCF-style: chr19-1622175-G-A. GRCh37 (hg19) VCF-style: chr19-1622174-G-A.
Other names: c.701C>T, p.Ala234Val (NM_001136139.4, NM_001351778.2, NM_001351779.2); short protein forms A234V.
Identifiers: ClinVar variation 2985741 (VCV002985741.4), dbSNP rs756170287, ClinGen allele CA9050252.